The following is an entry in ClinVar:

ClinVar aggregate classification (germline): Uncertain significance (1 of 4 stars; one submission).

Submission:

GeneDx
Classification: Uncertain significance. Last evaluated: 2025-06-12. Review status: criteria provided, single submitter. Criteria: GeneDx Variant Classification Process June 2021. Collection method: clinical testing. Allele origin: germline. Affected: yes.
Comment: Not observed at significant frequency in large population cohorts (gnomAD); In silico analysis suggests that this missense variant does not alter protein structure/function; Has not been previously published as pathogenic or benign to our knowledge

NM_001130969.3(NSMF):c.256G>A (p.Glu86Lys)

Gene: NSMF (NMDA receptor synaptonuclear signaling and neuronal migration factor; minus strand). Cytogenetic location: 9q34.3.
Variant type: single nucleotide variant.
Coding change: c.256G>A on transcript NM_001130969.3 (MANE Select); coding-DNA position 256, G replaced by A.
Protein change: p.Glu86Lys; replaces glutamic acid 86 with lysine.
Molecular consequence: missense variant.
Genome position (GRCh38, 1-based): chr9:137,457,779, C>T on the plus strand (G>A on the coding strand, the complement: NSMF is on the minus strand). VCF-style: chr9-137457779-C-T. GRCh37 (hg19) VCF-style: chr9-140352231-C-T.
Other names: c.256G>A, p.Glu86Lys (NM_015537.5, NM_001130970.2, NM_001130971.2 and 1 more transcripts); short protein forms E86K.
Identifiers: ClinVar variation 4538146 (VCV004538146.1).